The following is an entry in ClinVar:

ClinVar aggregate classification (germline): Pathogenic (1 of 4 stars; one submission).

Submission:

Labcorp Genetics (formerly Invitae), Labcorp
Classification: Pathogenic. Last evaluated: 2020-02-10. Review status: criteria provided, single submitter. Criteria: Invitae Variant Classification Sherloc (09022015). Collection method: clinical testing. Allele origin: germline.
Comment: This sequence change creates a premature translational stop signal (p.Pro51Leufs*85) in the CPOX gene. It is expected to result in an absent or disrupted protein product. The frequency data for this variant in the population databases is considered unreliable, as metrics indicate insufficient coverage at this position in the ExAC database. This variant has not been reported in the literature in individuals with CPOX-related conditions. Loss-of-function variants in CPOX are known to be pathogenic (PMID: 9888388). For these reasons, this variant has been classified as Pathogenic.

Literature cited by the submitters: PubMed 9888388.

NM_000097.7(CPOX):c.152del (p.Pro51fs)

Genes: CPOX (coproporphyrinogen oxidase; minus strand), LOC129937121 (ATAC-STARR-seq lymphoblastoid silent region 14560; plus strand). Cytogenetic location: 3q11.2.
Variant type: Deletion.
Coding change: c.152del on transcript NM_000097.7 (MANE Select); coding-DNA position 152, one base deleted (C; older notation c.152delC).
Protein change: p.Pro51fs; shifts the reading frame from proline 51.
Molecular consequence: frameshift variant.
Genome position (GRCh38, 1-based): chr3:98,593,353, G deleted on the plus strand (C on the coding strand, the reverse complement: CPOX is on the minus strand); the first of 5 consecutive G bases (chr3:98,593,353-98,593,357); deleting any one gives the same sequence. VCF-style (leftmost placement, unchanged base first): chr3-98593352-AG-A. GRCh37 (hg19) VCF-style: chr3-98312196-AG-A.
Other names: short protein forms P51fs.
Identifiers: ClinVar variation 1076524 (VCV001076524.5), dbSNP rs1269511347, ClinGen allele CA545016255.